The following is an entry in ClinVar:

ClinVar aggregate classification (germline): Uncertain significance (1 of 4 stars; one submission).

Conditions:
Developmental and epileptic encephalopathy, 53. Also called: Epileptic encephalopathy, early infantile, 53. Identifiers: MedGen C4479313, MONDO:0033362, OMIM 617389.
Early-onset Parkinson disease 20. Also called: PARKINSON DISEASE 20, AUTOSOMAL RECESSIVE EARLY-ONSET. Identifiers: Orphanet 391411, MedGen C3809824, MONDO:0014233, OMIM 615530.

Allele frequency attached by ClinVar (database versions not stated): TOPMed below 0.00001; gnomAD 0.00001; gnomAD exomes 0.00001; 1000 Genomes Project 30x 0.00016; 1000 Genomes Project 0.00020.
gnomAD v4.1: 21 of 1,600,266 alleles (0.0013%); highest among the groups gnomAD compares: Middle Eastern, 0.017%; no homozygotes.

Submission:

Labcorp Genetics (formerly Invitae), Labcorp
Classification: Uncertain significance for Developmental and epileptic encephalopathy, 53; Early-onset Parkinson disease 20. Last evaluated: 2024-05-15. Review status: criteria provided, single submitter. Criteria: Invitae Variant Classification Sherloc (09022015). Collection method: clinical testing. Allele origin: germline.
Comment: This sequence change replaces arginine, which is basic and polar, with cysteine, which is neutral and slightly polar, at codon 542 of the SYNJ1 protein (p.Arg542Cys). The frequency data for this variant in the population databases is considered unreliable, as metrics indicate poor data quality at this position in the gnomAD database. This variant has not been reported in the literature in individuals affected with SYNJ1-related conditions. ClinVar contains an entry for this variant (Variation ID: 645824). Advanced modeling of protein sequence and biophysical properties (such as structural, functional, and spatial information, amino acid conservation, physicochemical variation, residue mobility, and thermodynamic stability) performed at Invitae indicates that this missense variant is not expected to disrupt SYNJ1 protein function with a negative predictive value of 80%. In summary, the available evidence is currently insufficient to determine the role of this variant in disease. Therefore, it has been classified as a Variant of Uncertain Significance.

NM_203446.3(SYNJ1):c.1507C>T (p.Arg503Cys)

Gene: SYNJ1 (synaptojanin 1; minus strand). Cytogenetic location: 21q22.11.
Variant type: single nucleotide variant.
Coding change: c.1507C>T on transcript NM_203446.3 (MANE Select); coding-DNA position 1507, C replaced by T.
Protein change: p.Arg503Cys; replaces arginine 503 with cysteine.
Molecular consequence: missense variant.
Genome position (GRCh38, 1-based): chr21:32,678,648, G>A on the plus strand (C>T on the coding strand, the complement: SYNJ1 is on the minus strand). VCF-style: chr21-32678648-G-A. GRCh37 (hg19) VCF-style: chr21-34050958-G-A.
Other names: c.1507C>T, p.Arg503Cys (NM_001160302.2); c.1516C>T, p.Arg506Cys (NM_001160306.2); c.1624C>T, p.Arg542Cys (NM_003895.4); short protein forms R506C, R503C, R542C.
Identifiers: ClinVar variation 645824 (VCV000645824.9), dbSNP rs115061921, ClinGen allele CA319442521.